The following is an entry in ClinVar:

NM_004260.4(RECQL4):c.3393+1G>A

Gene: RECQL4 (RecQ like helicase 4; minus strand). Cytogenetic location: 8q24.3.
Variant type: single nucleotide variant.
Coding change: c.3393+1G>A on transcript NM_004260.4 (MANE Select); the canonical splice donor site of the intron after coding-DNA position 3393, G replaced by A.
Molecular consequence: splice donor variant. On other transcripts: missense variant (1).
Genome position (GRCh38, 1-based): chr8:144,511,910, C>T on the plus strand (G>A on the coding strand, the complement: RECQL4 is on the minus strand). VCF-style: chr8-144511910-C-T. GRCh37 (hg19) VCF-style: chr8-145737293-C-T.
Other names: c.2292+1G>A (NM_001413042.1); c.2190+1G>A (NM_001413037.1); c.2124+1G>A (NM_001413038.1, NM_001413031.1); c.2322+1G>A (NM_001413022.1, NM_001413040.1, NM_001413021.1 and 4 more transcripts); c.2397+1G>A (NM_001413023.1); c.3363+1G>A (NM_001413039.1); c.3261+1G>A (NM_001413033.1); c.3195+1G>A (NM_001413018.1); and 9 more; short protein forms V1132M.
Identifiers: ClinVar variation 655003 (VCV000655003.9), dbSNP rs1586790519, ClinGen allele CA372667870.
Genomic context (GRCh38, chr8:144,511,910, plus strand): 5'-AGCCCCATGCAGCCCAGGGAACCTGCAACCCCGATGAGCTGCCTGGCCTTACTGCACTCA[C>T]TCTGGCCTGCCCTGGCTCGGGGCCCTGTGCGTCCTCCATGCCTCCCGGCTCCTGCCCTTC-3'

ClinVar aggregate classification (germline): Likely pathogenic. Review status: criteria provided, multiple submitters, no conflicts (2 of 4 stars). 2 submissions from 2 submitters: Likely pathogenic (2). Last evaluated 2025-01-09.

Conditions:
Baller-Gerold syndrome (BGS). Also called: CRANIOSYNOSTOSIS WITH RADIAL DEFECTS. Identifiers: Orphanet 1225, MedGen C0265308, MONDO:0009039, OMIM 218600.

Allele frequency attached by ClinVar (database versions not stated): gnomAD exomes below 0.00001.
gnomAD v4.1: 6 of 1,610,652 alleles (0.00037%); highest among the groups gnomAD compares: Admixed American, 0.0017%; no homozygotes.

Submissions (3):

Dasa
Classification: Likely pathogenic. Last evaluated: 2025-01-09. Review status: criteria provided, single submitter. Criteria: DASA Assertion Criteria. Collection method: clinical testing. Allele origin: germline.
Comment: NM_004260.4(RECQL4):c.3393+1G>A affects a canonical splice site and is predicted to disrupt normal RNA splicing. Loss of function is an established disease mechanism for RECQL4-associated disorders. Also, this variant is rare in population databases. Based on the currently available evidence, this variant is classified as likely pathogenic.

Labcorp Genetics (formerly Invitae), Labcorp
Classification: Likely pathogenic for Baller-Gerold syndrome. Last evaluated: 2023-06-24. Review status: criteria provided, single submitter. Criteria: Invitae Variant Classification Sherloc (09022015). Collection method: clinical testing. Allele origin: germline.
Comment: In summary, the currently available evidence indicates that the variant is pathogenic, but additional data are needed to prove that conclusively. Therefore, this variant has been classified as Likely Pathogenic. Algorithms developed to predict the effect of sequence changes on RNA splicing suggest that this variant may disrupt the consensus splice site. ClinVar contains an entry for this variant (Variation ID: 655003). This variant has not been reported in the literature in individuals affected with RECQL4-related conditions. This variant is not present in population databases (gnomAD no frequency). This sequence change affects a donor splice site in intron 19 of the RECQL4 gene. It is expected to disrupt RNA splicing. Variants that disrupt the donor or acceptor splice site typically lead to a loss of protein function (PMID: 16199547), and loss-of-function variants in RECQL4 are known to be pathogenic (PMID: 12734318, 12952869).

Dr. Peter K. Rogan Lab, Western University
No classification provided (evidence only). Condition: Papillary renal cell carcinoma type 1. Review status: no classification provided. Collection method: in vitro. Allele origin: not applicable. Functional consequence: retained intron. Not counted in ClinVar's aggregate classification.

Literature cited by the submitters: PubMed 16199547 (cited by Labcorp Genetics (formerly Invitae), Labcorp); PubMed 12734318 (cited by Labcorp Genetics (formerly Invitae), Labcorp); PubMed 12952869 (cited by Labcorp Genetics (formerly Invitae), Labcorp).